The following is an entry in ClinVar:

NM_030773.4(TUBB1):c.68T>G (p.Met23Arg)

Gene: TUBB1 (tubulin beta 1 class VI; plus strand). Cytogenetic location: 20q13.32.
Variant type: single nucleotide variant.
Coding change: c.68T>G on transcript NM_030773.4 (MANE Select); coding-DNA position 68, T replaced by G.
Protein change: p.Met23Arg; replaces methionine 23 with arginine.
Molecular consequence: missense variant.
Genome position (GRCh38, 1-based): chr20:59,022,855, T>G. VCF-style: chr20-59022855-T-G. GRCh37 (hg19) VCF-style: chr20-57597910-T-G.
Other names: short protein forms M23R.
Identifiers: ClinVar variation 3661909 (VCV003661909.2).

ClinVar aggregate classification (germline): Uncertain significance (1 of 4 stars; one submission).

Submission:

Labcorp Genetics (formerly Invitae), Labcorp
Classification: Uncertain significance. Last evaluated: 2024-08-10. Review status: criteria provided, single submitter. Criteria: Invitae Variant Classification Sherloc (09022015). Collection method: clinical testing. Allele origin: germline.
Comment: This sequence change replaces methionine, which is neutral and non-polar, with arginine, which is basic and polar, at codon 23 of the TUBB1 protein (p.Met23Arg). This variant is present in population databases (rs374942824, gnomAD 0.0009%). This variant has not been reported in the literature in individuals affected with TUBB1-related conditions. Advanced modeling of protein sequence and biophysical properties (such as structural, functional, and spatial information, amino acid conservation, physicochemical variation, residue mobility, and thermodynamic stability) performed at Invitae indicates that this missense variant is not expected to disrupt TUBB1 protein function with a negative predictive value of 80%. In summary, the available evidence is currently insufficient to determine the role of this variant in disease. Therefore, it has been classified as a Variant of Uncertain Significance.